The following is an entry in ClinVar:

ClinVar aggregate classification (germline): Uncertain significance. Review status: criteria provided, multiple submitters, no conflicts (2 of 4 stars). 2 submissions from 2 submitters: Uncertain significance (2). Last evaluated 2024-05-06.

Conditions:
Fanconi anemia (FA). Also called: Fanconi's anemia. Identifiers: Orphanet 84, MedGen C0015625, MeSH D005199, MONDO:0019391.
Fanconi anemia complementation group I (FANCI). Also called: FANCI-Related Fanconi Anemia. Identifiers: Orphanet 84, MedGen C1836861, MONDO:0012186, OMIM 609053.

Allele frequency attached by ClinVar (database versions not stated): gnomAD 0.00001; TOPMed 0.00001; gnomAD exomes 0.00002.
gnomAD v4.1: 32 of 1,613,594 alleles (0.002%); highest among the groups gnomAD compares: African/African-American, 0.0027%; no homozygotes.

Submissions (2):

Fulgent Genetics
Classification: Uncertain significance for Fanconi anemia complementation group I. Last evaluated: 2024-05-06. Review status: criteria provided, single submitter. Criteria: ACMG Guidelines, 2015. Collection method: clinical testing. Allele origin: germline.

Labcorp Genetics (formerly Invitae), Labcorp
Classification: Uncertain significance for Fanconi anemia. Last evaluated: 2022-04-22. Review status: criteria provided, single submitter. Criteria: Invitae Variant Classification Sherloc (09022015). Collection method: clinical testing. Allele origin: germline.
Comment: This sequence change replaces proline, which is neutral and non-polar, with serine, which is neutral and polar, at codon 889 of the FANCI protein (p.Pro889Ser). This variant is present in population databases (rs767908943, gnomAD 0.007%). This variant has not been reported in the literature in individuals affected with FANCI-related conditions. Algorithms developed to predict the effect of missense changes on protein structure and function (SIFT, PolyPhen-2, Align-GVGD) all suggest that this variant is likely to be tolerated. In summary, the available evidence is currently insufficient to determine the role of this variant in disease. Therefore, it has been classified as a Variant of Uncertain Significance.

NM_001113378.2(FANCI):c.2665C>T (p.Pro889Ser)

Gene: FANCI (FA complementation group I; plus strand). Cytogenetic location: 15q26.1.
Variant type: single nucleotide variant.
Coding change: c.2665C>T on transcript NM_001113378.2 (MANE Select); coding-DNA position 2665, C replaced by T.
Protein change: p.Pro889Ser; replaces proline 889 with serine.
Molecular consequence: missense variant.
Genome position (GRCh38, 1-based): chr15:89,299,828, C>T. VCF-style: chr15-89299828-C-T. GRCh37 (hg19) VCF-style: chr15-89843059-C-T.
Other names: c.2386C>T, p.Pro796Ser (NM_001376910.1); c.2665C>T, p.Pro889Ser (NM_001376911.1); c.2485C>T, p.Pro829Ser (NM_018193.3); short protein forms P889S, P796S, P829S.
Identifiers: ClinVar variation 2178847 (VCV002178847.2), dbSNP rs767908943, ClinGen allele CA274521696.